The following is an entry in ClinVar:

NM_002180.3(IGHMBP2):c.2894A>G (p.Lys965Arg)

Gene: IGHMBP2 (immunoglobulin mu DNA binding protein 2; plus strand). Cytogenetic location: 11q13.3.
Variant type: single nucleotide variant.
Coding change: c.2894A>G on transcript NM_002180.3 (MANE Select); coding-DNA position 2894, A replaced by G.
Protein change: p.Lys965Arg; replaces lysine 965 with arginine.
Molecular consequence: missense variant.
Genome position (GRCh38, 1-based): chr11:68,939,643, A>G. VCF-style: chr11-68939643-A-G. GRCh37 (hg19) VCF-style: chr11-68707111-A-G.
Other names: short protein forms K965R.
Identifiers: ClinVar variation 2014600 (VCV002014600.4), dbSNP rs2496086750, ClinGen allele CA381655003.
Genomic context (GRCh38, chr11:68,939,643, plus strand): 5'-GCCGGGAAGGGGTCCTCTATGCCGGCAGCGGGACCAAGAACGGATCCCTGGACCCAGCCA[A>G]GAGGGCCCAGCTGCAGAGGAGGCTGGATAAGAAGCTGAGTGAGCTCAGCAACCAGAGGAC-3'
Protein context (NP_002171.2, residues 955-975): GTKNGSLDPA[Lys965Arg]RAQLQRRLDK

ClinVar aggregate classification (germline): Uncertain significance (1 of 4 stars; one submission).

Conditions:
Autosomal recessive distal spinal muscular atrophy 1. Also called: NEURONOPATHY, DISTAL HEREDITARY MOTOR, HARDING TYPE VI; NEUROPATHY, DISTAL HEREDITARY MOTOR, AUTOSOMAL RECESSIVE 1; HMN VI; NEURONOPATHY, SEVERE INFANTILE AXONAL, WITH RESPIRATORY FAILURE; SEVERE INFANTILE AXONAL NEUROPATHY WITH RESPIRATORY FAILURE; SPINAL MUSCULAR ATROPHY, DIAPHRAGMATIC. Identifiers: Orphanet 98920, MedGen C1858517, MONDO:0011436, OMIM 604320.
Charcot-Marie-Tooth disease axonal type 2S. Also called: CHARCOT-MARIE-TOOTH NEUROPATHY, TYPE 2S; CHARCOT-MARIE-TOOTH DISEASE, AXONAL, AUTOSOMAL RECESSIVE, TYPE 2S. Identifiers: Orphanet 443073, MedGen C4015349, MONDO:0014511, OMIM 616155.

Submission:

Labcorp Genetics (formerly Invitae), Labcorp
Classification: Uncertain significance for Autosomal recessive distal spinal muscular atrophy 1; Charcot-Marie-Tooth disease axonal type 2S. Last evaluated: 2022-07-06. Review status: criteria provided, single submitter. Criteria: Invitae Variant Classification Sherloc (09022015). Collection method: clinical testing. Allele origin: germline.
Comment: This sequence change replaces lysine, which is basic and polar, with arginine, which is basic and polar, at codon 965 of the IGHMBP2 protein (p.Lys965Arg). In summary, the available evidence is currently insufficient to determine the role of this variant in disease. Therefore, it has been classified as a Variant of Uncertain Significance. Advanced modeling of protein sequence and biophysical properties (such as structural, functional, and spatial information, amino acid conservation, physicochemical variation, residue mobility, and thermodynamic stability) performed at Invitae indicates that this missense variant is not expected to disrupt IGHMBP2 protein function. This variant has not been reported in the literature in individuals affected with IGHMBP2-related conditions. This variant is not present in population databases (gnomAD no frequency).